The following is an entry in ClinVar:

NM_015570.4(AUTS2):c.147C>T (p.Ala49=)

Gene: AUTS2 (activator of transcription and developmental regulator AUTS2; plus strand). Cytogenetic location: 7q11.22.
Variant type: single nucleotide variant.
Coding change: c.147C>T on transcript NM_015570.4 (MANE Select); coding-DNA position 147, C replaced by T.
Protein change: p.Ala49=; no amino-acid change (alanine 49 retained).
Molecular consequence: synonymous variant.
Genome position (GRCh38, 1-based): chr7:69,599,800, C>T. VCF-style: chr7-69599800-C-T. GRCh37 (hg19) VCF-style: chr7-69064786-C-T.
Other names: c.147C>T, p.Ala49= (NM_001127231.3, NM_001127232.3).
Identifiers: ClinVar variation 2657526 (VCV002657526.24), dbSNP rs1314691198, ClinGen allele CA456057727.

ClinVar aggregate classification (germline): Likely benign (1 of 4 stars; one submission).

Allele frequency attached by ClinVar (database versions not stated): gnomAD exomes below 0.00001; gnomAD 0.00001; TOPMed 0.00001.
gnomAD v4.1: 6 of 1,591,014 alleles (0.00038%); highest among the groups gnomAD compares: Non-Finnish European, 0.00043%; no homozygotes.

Submission:

CeGaT Center for Human Genetics Tuebingen
Classification: Likely benign. Last evaluated: 2023-07-01. Review status: criteria provided, single submitter. Criteria: CeGaT Center For Human Genetics Tuebingen Variant Classification Criteria Version 2. Collection method: clinical testing. Allele origin: germline. Affected: yes. Observed: 1 variant allele.
Comment: AUTS2: BP4, BP7